The following is an entry in ClinVar:

ClinVar aggregate classification (germline): Uncertain significance (1 of 4 stars; one submission).

Conditions:
Pancreatic adenocarcinoma. Identifiers: MedGen C0281361, MONDO:0006047, HP:0006725.

Allele frequency attached by ClinVar (database versions not stated): gnomAD exomes 0.00001; TOPMed 0.00001.
gnomAD v4.1: 8 of 1,487,222 alleles (0.00054%); highest among the groups gnomAD compares: South Asian, 0.0088%; no homozygotes.

Submission:

Labcorp Genetics (formerly Invitae), Labcorp
Classification: Uncertain significance for Pancreatic adenocarcinoma. Last evaluated: 2022-06-12. Review status: criteria provided, single submitter. Criteria: Invitae Variant Classification Sherloc (09022015). Collection method: clinical testing. Allele origin: germline.
Comment: In summary, the available evidence is currently insufficient to determine the role of this variant in disease. Therefore, it has been classified as a Variant of Uncertain Significance. Algorithms developed to predict the effect of missense changes on protein structure and function are either unavailable or do not agree on the potential impact of this missense change (SIFT: "Tolerated"; PolyPhen-2: "Possibly Damaging"; Align-GVGD: "Class C0"). This variant has not been reported in the literature in individuals affected with PALLD-related conditions. This variant is not present in population databases (gnomAD no frequency). This sequence change replaces leucine, which is neutral and non-polar, with phenylalanine, which is neutral and non-polar, at codon 50 of the PALLD protein (p.Leu50Phe).

NM_001166108.2(PALLD):c.1965-12883C>T

Gene: PALLD (palladin, cytoskeletal associated protein; plus strand). Cytogenetic location: 4q32.3.
Variant type: single nucleotide variant.
Coding change: c.1965-12883C>T on transcript NM_001166108.2 (MANE Select); 12883 bases into the intron before coding-DNA position 1965, C replaced by T.
Molecular consequence: intron variant. On other transcripts: missense variant (1).
Genome position (GRCh38, 1-based): chr4:168,878,039, C>T. VCF-style: chr4-168878039-C-T. GRCh37 (hg19) VCF-style: chr4-169799190-C-T.
Other names: c.148C>T, p.Leu50Phe (NM_001166110.2); c.1965-12883C>T (NM_016081.4); c.819-12883C>T (NM_001166109.2); c.-157-12883C>T (NM_001367570.1, NM_001367568.1, NM_001367567.1 and 1 more transcripts); short protein forms L50F.
Identifiers: ClinVar variation 2199757 (VCV002199757.4), dbSNP rs1201279284, ClinGen allele CA358795214.